The following is an entry in ClinVar:

NM_016204.4(GDF2):c.40_48dup (p.Ser14_Leu16dup)

Gene: GDF2 (growth differentiation factor 2; plus strand). Cytogenetic location: 10q11.22.
Variant type: Duplication.
Coding change: c.40_48dup on transcript NM_016204.4 (MANE Select); coding-DNA positions 40 to 48, 9 bases duplicated (TCCCTGCTG; older notation c.40_48dupTCCCTGCTG).
Protein change: p.Ser14_Leu16dup.
Molecular consequence: inframe insertion.
Genome position (GRCh38, 1-based): chr10:47,322,708-47,322,716, TCCCTGCTG duplicated; duplicating any 9 consecutive bases within chr10:47,322,700-47,322,716 gives the same sequence; the c. name uses the placement nearest the transcript's 3' end. VCF-style (leftmost placement, unchanged base first): chr10-47322699-C-CCCCTGCTGT. GRCh37 (hg19) VCF-style: chr10-48416645-C-CCAGCAGGGA.
Other names: p.Ser14_Leu16dup; c.40_48dup9 (NM_016204.3).
Identifiers: ClinVar variation 1110451 (VCV001110451.12), dbSNP rs781911497, ClinGen allele CA5488221.

ClinVar aggregate classification (germline): Likely benign. Review status: criteria provided, multiple submitters, no conflicts (2 of 4 stars). 3 submissions from 3 submitters: Likely benign (2). 1 of the submissions does not count toward it. Last evaluated 2026-01-13.

Conditions:
Telangiectasia, hereditary hemorrhagic, type 5 (HHT5). Identifiers: Orphanet 774, MedGen C3809710, MONDO:0014217, OMIM 615506.
GDF2-related disorder. Also called: GDF2-related condition.

Submissions (3):

Labcorp Genetics (formerly Invitae), Labcorp
Classification: Likely benign for Telangiectasia, hereditary hemorrhagic, type 5. Last evaluated: 2026-01-13. Review status: criteria provided, single submitter. Criteria: Invitae Variant Classification Sherloc (09022015). Collection method: clinical testing. Allele origin: germline.

Mayo Clinic Laboratories, Mayo Clinic
Classification: Likely benign. Last evaluated: 2025-05-20. Review status: criteria provided, single submitter. Criteria: ACMG Guidelines, 2015. Collection method: clinical testing. Allele origin: germline. Observed: 2 variant alleles.
Comment: BS1

PreventionGenetics, part of Exact Sciences
Classification: Likely benign for GDF2-related condition. Last evaluated: 2022-11-28. Review status: no assertion criteria provided. Collection method: clinical testing. Allele origin: germline. Not counted in ClinVar's aggregate classification.
Comment: This variant is classified as likely benign based on ACMG/AMP sequence variant interpretation guidelines (Richards et al. 2015 PMID: 25741868, with internal and published modifications).